The following is an entry in ClinVar:

NM_000038.6(APC):c.8112A>C (p.Gln2704His)

Gene: APC (APC regulator of Wnt signaling pathway; plus strand). Cytogenetic location: 5q22.2.
Variant type: single nucleotide variant.
Coding change: c.8112A>C on transcript NM_000038.6 (MANE Select); coding-DNA position 8112, A replaced by C.
Protein change: p.Gln2704His; replaces glutamine 2704 with histidine.
Molecular consequence: missense variant. On other transcripts: non-coding transcript variant (2).
Genome position (GRCh38, 1-based): chr5:112,843,706, A>C. VCF-style: chr5-112843706-A-C. GRCh37 (hg19) VCF-style: chr5-112179403-A-C.
Other names: c.8112A>C, p.Gln2704His (NM_001127510.3, NM_001354895.2, NM_001407450.1); c.8058A>C, p.Gln2686His (NM_001127511.3); c.8166A>C, p.Gln2722His (NM_001354896.2, NM_001407447.1, NM_001407448.1 and 1 more transcripts); c.8142A>C, p.Gln2714His (NM_001354897.2); c.8037A>C, p.Gln2679His (NM_001354898.2); c.8028A>C, p.Gln2676His (NM_001354899.2); c.7989A>C, p.Gln2663His (NM_001354900.2); c.7935A>C, p.Gln2645His (NM_001354901.2, NM_001407453.1); and 11 more; short protein forms Q2320H, Q2544H, Q2704H, Q2613H, Q2676H, Q2679H, Q2697H, Q2714H.
Identifiers: ClinVar variation 4560313 (VCV004560313.1).

ClinVar aggregate classification (germline): Uncertain significance (1 of 4 stars; one submission).

Conditions:
Hereditary cancer-predisposing syndrome. Also called: Tumor predisposition; Hereditary Cancer Syndrome; Hereditary neoplastic syndrome; Neoplastic Syndromes, Hereditary. Identifiers: Orphanet 140162, MedGen C0027672, MeSH D009386, MONDO:0015356.

Submission:

Ambry Genetics
Classification: Uncertain significance for Hereditary cancer-predisposing syndrome. Last evaluated: 2025-09-22. Review status: criteria provided, single submitter. Criteria: Ambry Variant Classification Scheme 2023. Collection method: clinical testing. Allele origin: germline.
Comment: The p.Q2704H variant (also known as c.8112A>C), located in coding exon 15 of the APC gene, results from an A to C substitution at nucleotide position 8112. The glutamine at codon 2704 is replaced by histidine, an amino acid with highly similar properties. This amino acid position is conserved. In addition, in silico predictors for this gene do not accurately predict pathogenicity. Based on the available evidence, the clinical significance of this variant remains unclear.